The following is an entry in ClinVar:

NM_001267550.2(TTN):c.92317C>T (p.Arg30773Ter)

Genes: TTN (titin; minus strand), TTN-AS1 (TTN antisense RNA 1; plus strand). Cytogenetic location: 2q31.2.
Variant type: single nucleotide variant.
Coding change: c.92317C>T on transcript NM_001267550.2 (MANE Select); coding-DNA position 92317, C replaced by T.
Protein change: p.Arg30773Ter; replaces arginine 30773 with a stop codon.
Molecular consequence: nonsense.
Genome position (GRCh38, 1-based): chr2:178,549,309, G>A on the plus strand (C>T on the coding strand, the complement: TTN is on the minus strand). VCF-style: chr2-178549309-G-A. GRCh37 (hg19) VCF-style: chr2-179414036-G-A.
Other names: p.R29132*:CGA>TGA; c.87394C>T, p.Arg29132Ter (NM_001256850.1); c.65122C>T, p.Arg21708Ter (NM_003319.4); c.84613C>T, p.Arg28205Ter (NM_133378.4); c.65497C>T, p.Arg21833Ter (NM_133432.3); c.65698C>T, p.Arg21900Ter (NM_133437.4); short protein forms R29132*, R30773*, R28205*, R21708*, R21833*, R21900*.
Identifiers: ClinVar variation 202424 (VCV000202424.36), dbSNP rs794729301, ClinGen allele CA309367.
Genomic context (GRCh38, chr2:178,549,309, plus strand): 5'-ATTCATACTCATTGCCTTCTGTCAGACCAGTGACTTTGAATCTTGTTTCAGAGATTGGTC[G>A]TTTGCTGATCACTTTTACCCATCTTGTGCTTTTCTTTTCTCTTCTTTCAAGGATATACTG-3'

ClinVar aggregate classification (germline): Pathogenic/Likely pathogenic. Review status: criteria provided, multiple submitters, no conflicts (2 of 4 stars). 9 submissions from 9 submitters: Pathogenic (6); Likely pathogenic (3). Last evaluated 2026-08-11.

Conditions:
TTN-related disorder. Also called: TTN-related disorders; TTN-related condition; TTN-related disease.
Cardiovascular phenotype. Identifiers: MedGen CN230736.
Dilated cardiomyopathy 1G (CMD1G). Identifiers: Orphanet 154, MedGen C1858763, MONDO:0011400, OMIM 604145.
Autosomal recessive limb-girdle muscular dystrophy type 2J (LGMDR10). Also called: MUSCULAR DYSTROPHY, LIMB-GIRDLE, AUTOSOMAL RECESSIVE 10; Limb-girdle muscular dystrophy, type 2J. Identifiers: Orphanet 140922, MedGen C1837342, MONDO:0012127, OMIM 608807.
Cardiomyopathy (CMYO). Also called: Cardiomyopathies. Identifiers: Orphanet 167848, MedGen C0878544, MONDO:0004994, HP:0001638. Inheritance: Various modes of inheritance.

Allele frequency attached by ClinVar (database versions not stated): gnomAD 0.00001; gnomAD exomes below 0.00001; TOPMed below 0.00001.
gnomAD v4.1: 4 of 1,613,766 alleles (0.00025%); highest among the groups gnomAD compares: Non-Finnish European, 0.00034%; no homozygotes.

Submissions (9):

Ambry Genetics
Classification: Likely pathogenic for Cardiovascular phenotype. Last evaluated: 2026-08-11. Review status: criteria provided, single submitter. Criteria: Ambry Variant Classification Scheme 2023. Collection method: clinical testing. Allele origin: germline.
Comment: The p.R21708* variant (also known as c.65122C>T), located in coding exon 166 of the TTN gene, results from a C to T substitution at nucleotide position 65122. This changes the amino acid from an arginine to a stop codon within coding exon 166. This exon is located in the A-band region of the N2-B isoform of the titin protein and is constitutively expressed in TTN transcripts (percent spliced in or PSI 100%). This variant (referred to as p.Arg30773*, c.92317C>T ) has been detected in an individual with early-onset atrial fibrillation and in a peripartum cardiomyopathy cohort (Choi SH et al. JAMA. 2018 12;320(22):2354-2364; Goli R et al. Circulation. 2021 May;143(19):1852-1862). This variant is expected to result in loss of function by premature protein truncation or nonsense-mediated mRNA decay. While truncating variants in TTN are present in 1-3% of the general population, truncating variants in the A-band are the most common cause of dilated cardiomyopathy (Herman DS et al. N. Engl. J. Med., 2012 Feb;366:619-28; Roberts AM et al. Sci Transl Med, 2015 Jan;7:270ra6). TTN truncating variants encoded in constitutive exons (PSI >90%) have been found to be significantly associated with DCM regardless of their position in titin (Schafer S et al. Nat. Genet., 2017 01;49:46-53; Akhtar MM et al. Circ Heart Fail, 2020 Oct;13:e006832; Massier M et al. Clin Genet, 2025 Jan). Based on the majority of available evidence to date, this variant is likely to be pathogenic.

Labcorp Genetics (formerly Invitae), Labcorp
Classification: Pathogenic for Dilated cardiomyopathy 1G; Autosomal recessive limb-girdle muscular dystrophy type 2J. Last evaluated: 2025-10-02. Review status: criteria provided, single submitter. Criteria: Invitae Variant Classification Sherloc (09022015). Collection method: clinical testing. Allele origin: germline.
Comment: This sequence change creates a premature translational stop signal (p.Arg30773*) in the TTN gene. While this is not anticipated to result in nonsense mediated decay, it is expected to create a truncated TTN protein. This variant is present in population databases (rs794729301, gnomAD 0.007%). This premature translational stop signal has been observed in individual(s) with autosomal dominant TTN-related cardiac conditions and/or autosomal recessive TTN-related neuromuscular conditions (PMID: 30535219; internal data). In at least one individual the data is consistent with being in trans (on the opposite chromosome) from a pathogenic variant. ClinVar contains an entry for this variant (Variation ID: 202424). This variant is located in the A band of TTN (PMID: 25589632). Truncating variants in this region are significantly overrepresented in patients affected with dilated cardiomyopathy (PMID: 25589632). Truncating variants in this region have also been reported in individuals affected with autosomal recessive centronuclear myopathy (PMID: 23975875). For these reasons, this variant has been classified as Pathogenic.

GeneDx
Classification: Pathogenic. Last evaluated: 2025-07-11. Review status: criteria provided, single submitter. Criteria: GeneDx Variant Classification Process June 2021. Collection method: clinical testing. Allele origin: germline. Affected: yes.
Comment: Nonsense variant predicted to result in protein truncation or nonsense mediated decay in a gene for which loss of function is a known mechanism of disease; Not observed at significant frequency in large population cohorts (gnomAD); Located in the A-band, a region of TTN for which truncating variants are significantly associated with autosomal dominant cardiomyopathy and also with autosomal recessive skeletal myopathies (PMID: 22335739, 32778822); This variant is associated with the following publications: (PMID: 33874732, 36264615, 34495297, 30535219, 38438525, 38473809, 22335739, 32778822)

Blueprint Genetics
Classification: Pathogenic for TTN-related disorders. Last evaluated: 2024-06-28. Review status: criteria provided, single submitter. Criteria: ACMG Guidelines, 2015. Collection method: clinical testing. Allele origin: germline. Affected: yes. Observed: 2 variant alleles.

Molecular Diagnostic Laboratory for Inherited Cardiovascular Disease, Montreal Heart Institute
Classification: Pathogenic for Cardiovascular phenotype. Last evaluated: 2023-06-21. Review status: criteria provided, single submitter. Criteria: ACMG Guidelines, 2015. Collection method: clinical testing. Allele origin: germline. Affected: yes.

Clinical Genetics Laboratory, Skane University Hospital Lund
Classification: Pathogenic. Last evaluated: 2022-12-29. Review status: criteria provided, single submitter. Criteria: ACMG Guidelines, 2015. Collection method: clinical testing. Allele origin: germline. Affected: yes.

Women's Health and Genetics/Laboratory Corporation of America, LabCorp
Classification: Pathogenic for Cardiomyopathy. Last evaluated: 2022-11-17. Review status: criteria provided, single submitter. Criteria: LabCorp Variant Classification Summary - May 2015. Collection method: clinical testing. Allele origin: germline.
Comment: Variant summary: TTN c.84613C>T (p.Arg28205X) results in a premature termination codon, predicted to cause a truncation of the encoded protein or absence of the protein due to nonsense mediated decay, which are commonly known mechanisms for disease. Truncations downstream of this position have been classified as pathogenic by our laboratory. The variant was absent in 249178 control chromosomes (gnomAD). c.84613C>T has been reported in the literature in individuals affected with atrial fibrillation and peripartum cardiomyopathy (Choi_2018, Goli_2021). These data indicate that the variant is likely to be associated with disease. Five ClinVar submitters (evaluation after 2014) cite the variant as pathogenic/likely pathogenic. Based on the evidence outlined above, the variant was classified as pathogenic.

Revvity Omics, Revvity
Classification: Likely pathogenic. Last evaluated: 2019-06-26. Review status: criteria provided, single submitter. Criteria: ACMG Guidelines, 2015. Collection method: clinical testing. Allele origin: germline.

Eurofins Ntd Llc (ga)
Classification: Likely pathogenic. Last evaluated: 2016-09-01. Review status: criteria provided, single submitter. Criteria: EGL Classification Definitions 2015. Collection method: clinical testing. Allele origin: germline. Observed: 2 variant alleles, 2 heterozygotes.

Literature cited by the submitters: PubMed 27930701 (cited by Ambry Genetics); PubMed 30535219 (cited by 3 submitters); PubMed 33874732 (cited by Ambry Genetics and Women's Health and Genetics/Laboratory Corporation of America, LabCorp); PubMed 25589632 (cited by Labcorp Genetics (formerly Invitae), Labcorp); PubMed 23975875 (cited by Labcorp Genetics (formerly Invitae), Labcorp).